The following is an entry in ClinVar:

NM_016932.5(SIX2):c.791G>A (p.Gly264Glu)

Gene: SIX2 (SIX homeobox 2; minus strand). Cytogenetic location: 2p21.
Variant type: single nucleotide variant.
Coding change: c.791G>A on transcript NM_016932.5 (MANE Select); coding-DNA position 791, G replaced by A.
Protein change: p.Gly264Glu; replaces glycine 264 with glutamic acid.
Molecular consequence: missense variant.
Genome position (GRCh38, 1-based): chr2:45,006,255, C>T on the plus strand (G>A on the coding strand, the complement: SIX2 is on the minus strand). VCF-style: chr2-45006255-C-T. GRCh37 (hg19) VCF-style: chr2-45233394-C-T.
Other names: short protein forms G264E.
Identifiers: ClinVar variation 2062897 (VCV002062897.4), dbSNP rs146753226, ClinGen allele CA1642464.
Genomic context (GRCh38, chr2:45,006,255, plus strand): 5'-GCTGACATGGGGTTGAGGATGGAGTCCTGCAGGCCATGGTGGTGTTGCAGTGGGTCCGCT[C>T]CACCTCCGCCTGGCACCGGCACTGGCACTGCGCTGGGGCCCGGAGGGTGGCCCAGGCTGT-3'
Protein context (NP_058628.3, residues 254-274): AVPVPVPGGG[Gly264Glu]ADPLQHHHGL

ClinVar aggregate classification (germline): Uncertain significance (1 of 4 stars; one submission).

Allele frequency attached by ClinVar (database versions not stated): gnomAD exomes 0.00005; ExAC 0.00013; gnomAD 0.00038; ESP Exome Variant Server 0.00054; TOPMed 0.00060; 1000 Genomes Project 30x 0.00109; 1000 Genomes Project 0.00120.
gnomAD v4.1: 135 of 1,614,220 alleles (0.0084%); highest among the groups gnomAD compares: African/African-American, 0.14%; no homozygotes.

Submission:

Labcorp Genetics (formerly Invitae), Labcorp
Classification: Uncertain significance. Last evaluated: 2025-11-27. Review status: criteria provided, single submitter. Criteria: Invitae Variant Classification Sherloc (09022015). Collection method: clinical testing. Allele origin: germline.
Comment: This sequence change replaces glycine, which is neutral and non-polar, with glutamic acid, which is acidic and polar, at codon 264 of the SIX2 protein (p.Gly264Glu). This variant is present in population databases (rs146753226, gnomAD 0.1%), and has an allele count higher than expected for a pathogenic variant. This variant has not been reported in the literature in individuals affected with SIX2-related conditions. ClinVar contains an entry for this variant (Variation ID: 2062897). An algorithm developed to predict the effect of missense changes on protein structure and function (PolyPhen-2) suggests that this variant is likely to be tolerated. In summary, the available evidence is currently insufficient to determine the role of this variant in disease. Therefore, it has been classified as a Variant of Uncertain Significance.